The following is an entry in ClinVar:

NM_001379270.1(CNGA1):c.1009G>A (p.Glu337Lys)

Genes: CNGA1 (cyclic nucleotide gated channel subunit alpha 1; minus strand), LOC101927157 (uncharacterized LOC101927157; plus strand). Cytogenetic location: 4p12.
Variant type: single nucleotide variant.
Coding change: c.1009G>A on transcript NM_001379270.1 (MANE Select); coding-DNA position 1009, G replaced by A.
Protein change: p.Glu337Lys; replaces glutamic acid 337 with lysine.
Molecular consequence: missense variant.
Genome position (GRCh38, 1-based): chr4:47,937,473, C>T on the plus strand (G>A on the coding strand, the complement: CNGA1 is on the minus strand). VCF-style: chr4-47937473-C-T. GRCh37 (hg19) VCF-style: chr4-47939490-C-T.
Other names: c.1009G>A, p.Glu337Lys (NM_000087.5, NM_001142564.2); short protein forms E337K.
Identifiers: ClinVar variation 1004665 (VCV001004665.9), dbSNP rs1560617571, ClinGen allele CA356827534.

ClinVar aggregate classification (germline): Uncertain significance. Review status: criteria provided, multiple submitters, no conflicts (2 of 4 stars). 2 submissions from 2 submitters: Uncertain significance (2). Last evaluated 2022-03-10.

Allele frequency attached by ClinVar (database versions not stated): gnomAD exomes below 0.00001; TOPMed below 0.00001.
gnomAD v4.1: 1 of 1,614,162 alleles (0.000062%); highest among the groups gnomAD compares: East Asian, 0.0022%; no homozygotes.

Submissions (2):

Labcorp Genetics (formerly Invitae), Labcorp
Classification: Uncertain significance. Last evaluated: 2022-03-10. Review status: criteria provided, single submitter. Criteria: Invitae Variant Classification Sherloc (09022015). Collection method: clinical testing. Allele origin: germline.
Comment: In summary, the available evidence is currently insufficient to determine the role of this variant in disease. Therefore, it has been classified as a Variant of Uncertain Significance. Algorithms developed to predict the effect of missense changes on protein structure and function are either unavailable or do not agree on the potential impact of this missense change (SIFT: "Tolerated"; PolyPhen-2: "Possibly Damaging"; Align-GVGD: "Class C0"). ClinVar contains an entry for this variant (Variation ID: 1004665). This variant has not been reported in the literature in individuals affected with CNGA1-related conditions. This variant is not present in population databases (gnomAD no frequency). This sequence change replaces glutamic acid, which is acidic and polar, with lysine, which is basic and polar, at codon 341 of the CNGA1 protein (p.Glu341Lys).

Blueprint Genetics
Classification: Uncertain significance. Last evaluated: 2022-01-13. Review status: criteria provided, single submitter. Criteria: ACMG Guidelines, 2015. Collection method: clinical testing. Allele origin: germline.